The following is an entry in ClinVar:

NM_005631.5(SMO):c.1198C>T (p.Arg400Cys)

Gene: SMO (smoothened, frizzled class receptor; plus strand). Cytogenetic location: 7q32.1.
Variant type: single nucleotide variant.
Coding change: c.1198C>T on transcript NM_005631.5 (MANE Select); coding-DNA position 1198, C replaced by T.
Protein change: p.Arg400Cys; replaces arginine 400 with cysteine.
Molecular consequence: missense variant.
Genome position (GRCh38, 1-based): chr7:129,206,521, C>T. VCF-style: chr7-129206521-C-T. GRCh37 (hg19) VCF-style: chr7-128846362-C-T.
Other names: c.1198C>T (LRG_1393t1); short protein forms R400C.
Identifiers: ClinVar variation 982410 (VCV000982410.2), dbSNP rs766211091, ClinGen allele CA4479319.

ClinVar aggregate classification (germline): Likely pathogenic (1 of 4 stars; one submission).

Conditions:
Congenital hypothalamic hamartoma syndrome. Also called: PALLISTER-HALL-LIKE SYNDROME. Identifiers: MedGen C5435677, MONDO:0009436, OMIM 241800.

Allele frequency attached by ClinVar (database versions not stated): gnomAD exomes below 0.00001; TOPMed below 0.00001; ExAC 0.00001.

Submission:

Equipe Genetique des Anomalies du Developpement, Université de Bourgogne
Classification: Likely pathogenic for Congenital hypothalamic hamartoma syndrome. Last evaluated: 2020-10-05. Review status: criteria provided, single submitter. Criteria: ACMG Guidelines, 2015. Collection method: clinical testing. Allele origin: paternal. Affected: yes.
Comment: This variant was observed in compound heterozygosity with variant c.754T>C

Literature cited by the submitters: PubMed 32413283; PubMed 30497210.